The following is an entry in ClinVar:

ClinVar aggregate classification (germline): Uncertain significance (1 of 4 stars; one submission).

Conditions:
RASopathy. Also called: rasopathies; Noonan spectrum disorder. Identifiers: Orphanet 536391, MedGen C5555857, MONDO:0021060.

Submission:

Labcorp Genetics (formerly Invitae), Labcorp
Classification: Uncertain significance for RASopathy. Last evaluated: 2023-12-11. Review status: criteria provided, single submitter. Criteria: Invitae Variant Classification Sherloc (09022015). Collection method: clinical testing. Allele origin: germline.
Comment: This sequence change replaces leucine, which is neutral and non-polar, with phenylalanine, which is neutral and non-polar, at codon 865 of the SOS1 protein (p.Leu865Phe). This variant is not present in population databases (gnomAD no frequency). This variant has not been reported in the literature in individuals affected with SOS1-related conditions. ClinVar contains an entry for this variant (Variation ID: 1468801). Advanced modeling of protein sequence and biophysical properties (such as structural, functional, and spatial information, amino acid conservation, physicochemical variation, residue mobility, and thermodynamic stability) performed at Invitae indicates that this missense variant is expected to disrupt SOS1 protein function with a positive predictive value of 95%. In summary, the available evidence is currently insufficient to determine the role of this variant in disease. Therefore, it has been classified as a Variant of Uncertain Significance.

NM_005633.4(SOS1):c.2595G>C (p.Leu865Phe)

Gene: SOS1 (SOS Ras/Rac guanine nucleotide exchange factor 1; minus strand). Cytogenetic location: 2p22.1.
Variant type: single nucleotide variant.
Coding change: c.2595G>C on transcript NM_005633.4 (MANE Select); coding-DNA position 2595, G replaced by C.
Protein change: p.Leu865Phe; replaces leucine 865 with phenylalanine.
Molecular consequence: missense variant.
Genome position (GRCh38, 1-based): chr2:39,007,109, C>G on the plus strand (G>C on the coding strand, the complement: SOS1 is on the minus strand). VCF-style: chr2-39007109-C-G. GRCh37 (hg19) VCF-style: chr2-39234250-C-G.
Other names: c.2574G>C, p.Leu858Phe (NM_001382394.1); c.2595G>C, p.Leu865Phe (NM_001382395.1); short protein forms L858F, L865F.
Identifiers: ClinVar variation 1468801 (VCV001468801.6), dbSNP rs2124503338, ClinGen allele CA346363488.